The following is an entry in ClinVar:

ClinVar aggregate classification (germline): Uncertain significance. Review status: criteria provided, multiple submitters, no conflicts (2 of 4 stars). 3 submissions from 3 submitters: Uncertain significance (3). Last evaluated 2022-08-09.

Conditions:
Hypertrophic cardiomyopathy. Also called: HYPERTROPHIC MYOCARDIOPATHY. Identifiers: Orphanet 217569, MedGen C0007194, MeSH D002312, MONDO:0005045, HP:0001639.
Hypertrophic cardiomyopathy 1 (CMH1). Also called: Familial hypertrophic cardiomyopathy 1; MYH7-Related Familial Hypertrophic Cardiomyopathy. Identifiers: MedGen C3495498, MONDO:0008647, OMIM 192600.

Allele frequency attached by ClinVar (database versions not stated): gnomAD exomes below 0.00001.
gnomAD v4.1: 1 of 1,613,128 alleles (0.000062%); highest among the groups gnomAD compares: Admixed American, 0.0017%; no homozygotes.

Submissions (3):

Labcorp Genetics (formerly Invitae), Labcorp
Classification: Uncertain significance for Hypertrophic cardiomyopathy. Last evaluated: 2022-08-09. Review status: criteria provided, single submitter. Criteria: Invitae Variant Classification Sherloc (09022015). Collection method: clinical testing. Allele origin: germline.
Comment: This sequence change falls in intron 25 of the MYH7 gene. It does not directly change the encoded amino acid sequence of the MYH7 protein. It affects a nucleotide within the consensus splice site. This variant is present in population databases (rs112287277, gnomAD 0.003%). This variant has not been reported in the literature in individuals affected with MYH7-related conditions. ClinVar contains an entry for this variant (Variation ID: 870092). Variants that disrupt the consensus splice site are a relatively common cause of aberrant splicing (PMID: 17576681, 9536098). Algorithms developed to predict the effect of sequence changes on RNA splicing suggest that this variant may create or strengthen a splice site. In summary, the available evidence is currently insufficient to determine the role of this variant in disease. Therefore, it has been classified as a Variant of Uncertain Significance.

Revvity Omics, Revvity
Classification: Uncertain significance. Last evaluated: 2021-04-30. Review status: criteria provided, single submitter. Criteria: ACMG Guidelines, 2015. Collection method: clinical testing. Allele origin: germline.

Agnes Ginges Centre for Molecular Cardiology, Centenary Institute
Classification: Uncertain significance for Hypertrophic cardiomyopathy 1. Last evaluated: 2018-10-16. Review status: criteria provided, single submitter. Criteria: ACMG Guidelines, 2015. Collection method: research. Allele origin: germline. Inheritance: Autosomal dominant inheritance. Affected: yes.
Comment: MYH7 c.3246-3C>A has not been previously reported and is seen at a very low frequency in the Genome Aggregation Database (MAF= 0.000004). Splice prediction tools MaxEntScan and AdaBoost predict that this variant is likely to result in aberrant splicing. Based on the adapted ACMG guidelines (Kelly MA, et al., 2018) this variant is rare in the general population (PM2) and in silico tools predict aberrant splicing to occur (PP3), therefore we classify MYH7 c.3246-3C>A as a variant of 'uncertain significance'.

Literature cited by the submitters: PubMed 17576681 (cited by Labcorp Genetics (formerly Invitae), Labcorp); PubMed 9536098 (cited by Labcorp Genetics (formerly Invitae), Labcorp).

NM_000257.4(MYH7):c.3246-3C>A

Gene: MYH7 (myosin heavy chain 7; minus strand). Cytogenetic location: 14q11.2.
Variant type: single nucleotide variant.
Coding change: c.3246-3C>A on transcript NM_000257.4 (MANE Select); 3 bases into the intron before coding-DNA position 3246, C replaced by A.
Molecular consequence: intron variant.
Genome position (GRCh38, 1-based): chr14:23,421,051, G>T on the plus strand (C>A on the coding strand, the complement: MYH7 is on the minus strand). VCF-style: chr14-23421051-G-T. GRCh37 (hg19) VCF-style: chr14-23890260-G-T.
Identifiers: ClinVar variation 870092 (VCV000870092.10), dbSNP rs112287277, ClinGen allele CA257816475.
Genomic context (GRCh38, chr14:23,421,051, plus strand): 5'-GCCGAGGGCCTGTTCATCCTCAATCCTTGCGTTGAGAGCATTCAGCTCAAAGTCTTTTCT[G>T]TGGGGAAGGAGGGATGGTGAGGTAAGGGAGACTCGTGGGGCCTCAGGAGGGTCCACCAGT-3'